The following is an entry in ClinVar:

NM_000075.4(CDK4):c.872A>C (p.Gln291Pro)

Genes: CDK4 (cyclin dependent kinase 4; minus strand), TSPAN31 (tetraspanin 31; plus strand). Cytogenetic location: 12q14.1.
Variant type: single nucleotide variant.
Coding change: c.872A>C on transcript NM_000075.4 (MANE Select); coding-DNA position 872, A replaced by C.
Protein change: p.Gln291Pro; replaces glutamine 291 with proline.
Molecular consequence: missense variant. On other transcripts: 3 prime UTR variant (3).
Genome position (GRCh38, 1-based): chr12:57,748,565, T>G on the plus strand (A>C on the coding strand, the complement: CDK4 is on the minus strand). VCF-style: chr12-57748565-T-G. GRCh37 (hg19) VCF-style: chr12-58142348-T-G.
Other names: c.*1275T>G (NM_001330168.2, NM_001330169.2, NM_005981.5); short protein forms Q291P.
Identifiers: ClinVar variation 1046694 (VCV001046694.8), dbSNP rs1955187106, ClinGen allele CA385542367.

ClinVar aggregate classification (germline): Uncertain significance (1 of 4 stars; one submission).

Conditions:
Familial melanoma. Also called: Hereditary melanoma; Hereditary cutaneous melanoma. Identifiers: Orphanet 618, MedGen C1512419, MONDO:0018961.

Submission:

Labcorp Genetics (formerly Invitae), Labcorp
Classification: Uncertain significance for Familial melanoma. Last evaluated: 2020-05-21. Review status: criteria provided, single submitter. Criteria: Invitae Variant Classification Sherloc (09022015). Collection method: clinical testing. Allele origin: germline.
Comment: In summary, the available evidence is currently insufficient to determine the role of this variant in disease. Therefore, it has been classified as a Variant of Uncertain Significance. Algorithms developed to predict the effect of missense changes on protein structure and function are either unavailable or do not agree on the potential impact of this missense change (SIFT: "Tolerated"; PolyPhen-2: "Possibly Damaging"; Align-GVGD: "Class C0"). This variant has not been reported in the literature in individuals with CDK4-related conditions. This variant is not present in population databases (ExAC no frequency). This sequence change replaces glutamine with proline at codon 291 of the CDK4 protein (p.Gln291Pro). The glutamine residue is moderately conserved and there is a moderate physicochemical difference between glutamine and proline.